The following is an entry in ClinVar:

ClinVar aggregate classification (germline): Uncertain significance (1 of 4 stars; one submission).

Conditions:
LRRC45-related disorder. Also called: LRRC45-related condition.

gnomAD v4.1: 4 of 1,612,698 alleles (0.00025%); highest among the groups gnomAD compares: East Asian, 0.0022%; no homozygotes.

Submission:

PreventionGenetics, part of Exact Sciences
Classification: Uncertain significance for LRRC45-related condition. Last evaluated: 2025-03-20. Review status: criteria provided, single submitter. Criteria: ACMG Guidelines, 2015. Collection method: clinical testing. Allele origin: germline.
Comment: The LRRC45 c.1348G>A variant is predicted to result in the amino acid substitution p.Ala450Thr. To our knowledge, this variant has not been reported in the literature or in a large population database (gnomAD), indicating this variant is rare. At this time, the clinical significance of this variant is uncertain due to the absence of conclusive functional and genetic evidence.

NM_144999.4(LRRC45):c.1348G>A (p.Ala450Thr)

Gene: LRRC45 (leucine rich repeat containing 45; plus strand). Cytogenetic location: 17q25.3.
Variant type: single nucleotide variant.
Coding change: c.1348G>A on transcript NM_144999.4 (MANE Select); coding-DNA position 1348, G replaced by A.
Protein change: p.Ala450Thr; replaces alanine 450 with threonine.
Molecular consequence: missense variant.
Genome position (GRCh38, 1-based): chr17:82,029,132, G>A. VCF-style: chr17-82029132-G-A. GRCh37 (hg19) VCF-style: chr17-79987008-G-A.
Other names: short protein forms A450T.
Identifiers: ClinVar variation 4998876 (VCV004998876.1).